The following is an entry in ClinVar:

NM_004655.4(AXIN2):c.1481C>T (p.Pro494Leu)

Gene: AXIN2 (axin 2; minus strand). Cytogenetic location: 17q24.1.
Variant type: single nucleotide variant.
Coding change: c.1481C>T on transcript NM_004655.4 (MANE Select); coding-DNA position 1481, C replaced by T.
Protein change: p.Pro494Leu; replaces proline 494 with leucine.
Molecular consequence: missense variant.
Genome position (GRCh38, 1-based): chr17:65,537,555, G>A on the plus strand (C>T on the coding strand, the complement: AXIN2 is on the minus strand). VCF-style: chr17-65537555-G-A. GRCh37 (hg19) VCF-style: chr17-63533673-G-A.
Other names: p.P494L:CCG>CTG; c.1481C>T (LRG_296t1); c.1481C>T, p.Pro494Leu (NM_001363813.1); short protein forms P494L.
Identifiers: ClinVar variation 182004 (VCV000182004.32), dbSNP rs730881396, ClinGen allele CA298380.

ClinVar aggregate classification (germline): Conflicting classifications of pathogenicity. Review status: criteria provided, conflicting classifications (1 of 4 stars). 9 submissions from 9 submitters: Uncertain significance (6); Likely benign (3). Last evaluated 2026-08-10.

Conditions:
AXIN2-related disorder.
Hereditary cancer-predisposing syndrome. Also called: Neoplastic Syndromes, Hereditary; Tumor predisposition; Hereditary neoplastic syndrome; Hereditary Cancer Syndrome. Identifiers: Orphanet 140162, MedGen C0027672, MeSH D009386, MONDO:0015356.
Oligodontia-cancer predisposition syndrome. Also called: TOOTH AGENESIS-COLORECTAL CANCER SYNDROME. Identifiers: Orphanet 300576, MedGen C1837750, MONDO:0012075, OMIM 608615. Disease mechanism: loss of function.

Allele frequency attached by ClinVar (database versions not stated): gnomAD 0.00005; TOPMed 0.00006.
gnomAD v4.1: 82 of 1,612,186 alleles (0.0051%); highest among the groups gnomAD compares: Non-Finnish European, 0.0064%; no homozygotes.

Submissions (9):

PreventionGenetics, part of Exact Sciences
Classification: Uncertain significance for AXIN2-related condition. Last evaluated: 2026-08-10. Review status: criteria provided, single submitter. Criteria: ACMG Guidelines, 2015. Collection method: clinical testing. Allele origin: germline.
Comment: The AXIN2 c.1481C>T variant is predicted to result in the amino acid substitution p.Pro494Leu. This variant has been reported in the literature in an individual with breast cancer (Nassar et al. 2022. PubMed ID: 36672847). This variant is reported in 0.0072% of alleles in individuals of European (Non-Finnish) descent in gnomAD. This variant has conflicting interpretations in ClinVar ranging from uncertain to likely benign (Variation ID: 182004). At this time, the clinical significance of this variant is uncertain due to the absence of conclusive functional and genetic evidence.

Labcorp Genetics (formerly Invitae), Labcorp
Classification: Uncertain significance for Oligodontia-cancer predisposition syndrome. Last evaluated: 2026-02-04. Review status: criteria provided, single submitter. Criteria: Invitae Variant Classification Sherloc (09022015). Collection method: clinical testing. Allele origin: germline.
Comment: This sequence change replaces proline, which is neutral and non-polar, with leucine, which is neutral and non-polar, at codon 494 of the AXIN2 protein (p.Pro494Leu). This variant is present in population databases (rs730881396, gnomAD 0.007%). This missense change has been observed in individual(s) with breast cancer (PMID: 36672847). ClinVar contains an entry for this variant (Variation ID: 182004). An algorithm developed to predict the effect of missense changes on protein structure and function outputs the following: PolyPhen-2: "Benign". The leucine amino acid residue is found in multiple mammalian species, which suggests that this missense change does not adversely affect protein function. In summary, the available evidence is currently insufficient to determine the role of this variant in disease. Therefore, it has been classified as a Variant of Uncertain Significance.

Quest Diagnostics Nichols Institute San Juan Capistrano
Classification: Uncertain significance. Last evaluated: 2025-04-30. Review status: criteria provided, single submitter. Criteria: Quest Diagnostics criteria. Collection method: clinical testing. Allele origin: unknown.
Comment: The AXIN2 c.1481C>T (p.Pro494Leu) variant has not been reported in the germline of individuals with AXIN2-related conditions in the published literature. The frequency of this variant in the general population (Genome Aggregation Database) is uninformative in the assessment of its pathogenicity. Analysis of this variant using bioinformatics tools for the prediction of the effect of amino acid changes on protein structure and function yielded predictions that this variant is benign. Based on the available information, we are unable to determine the clinical significance of this variant.

Center for Genomic Medicine, Rigshospitalet, Copenhagen University Hospital
Classification: Uncertain significance. Last evaluated: 2025-03-04. Review status: criteria provided, single submitter. Criteria: ACMG Guidelines, 2015. Collection method: clinical testing. Allele origin: germline.

Blueprint Genetics
Classification: Likely benign. Last evaluated: 2024-05-20. Review status: criteria provided, single submitter. Criteria: ACMG Guidelines, 2015. Collection method: clinical testing. Allele origin: germline.

GeneDx
Classification: Uncertain significance. Last evaluated: 2024-02-11. Review status: criteria provided, single submitter. Criteria: GeneDx Variant Classification Process June 2021. Collection method: clinical testing. Allele origin: germline. Affected: yes.
Comment: In silico analysis supports that this missense variant does not alter protein structure/function; Identified in an individual with familial breast cancer who was also heterozygous for a CHEK2 frameshift variant (PMID: 36672847); This variant is associated with the following publications: (PMID: 36672847)

St. Jude Molecular Pathology, St. Jude Children's Research Hospital
Classification: Uncertain significance for Oligodontia-cancer predisposition syndrome. Last evaluated: 2024-01-13. Review status: criteria provided, single submitter. Criteria: St. Jude Assertion Criteria 2020. Collection method: clinical testing. Allele origin: germline.
Comment: The AXIN2 c.1481C>T (p.Pro494Leu) missense change has a maximum subpopulation frequency of 0.007% in gnomAD v2.1.1. The in silico tool REVEL predicts a benign effect on protein function, but this prediction has not been confirmed by functional studies. This variant has not been reported in the literature in individuals with oligodontia-cancer predisposition syndrome. In summary, the evidence currently available is insufficient to determine the clinical significance of this variant. It has therefore been classified as of uncertain significance.

Ambry Genetics
Classification: Likely benign for Hereditary cancer-predisposing syndrome. Last evaluated: 2023-05-15. Review status: criteria provided, single submitter. Criteria: Ambry Variant Classification Scheme 2023. Collection method: clinical testing. Allele origin: germline.

Sema4
Classification: Likely benign for Hereditary cancer-predisposing syndrome. Last evaluated: 2021-01-13. Review status: criteria provided, single submitter. Criteria: Sema4 Curation Guidelines. Collection method: curation. Allele origin: germline.

Literature cited by the submitters: PubMed 36672847 (cited by 3 submitters); PubMed 35739269 (cited by Quest Diagnostics Nichols Institute San Juan Capistrano).